The following is an entry in ClinVar:

NM_017951.5(SMPD4):c.1403G>C (p.Arg468Pro)

Gene: SMPD4 (sphingomyelin phosphodiesterase 4; minus strand). Cytogenetic location: 2q21.1.
Variant type: single nucleotide variant.
Coding change: c.1403G>C on transcript NM_017951.5 (MANE Select); coding-DNA position 1403, G replaced by C.
Protein change: p.Arg468Pro; replaces arginine 468 with proline.
Molecular consequence: missense variant. On other transcripts: non-coding transcript variant (2).
Genome position (GRCh38, 1-based): chr2:130,155,146, C>G on the plus strand (G>C on the coding strand, the complement: SMPD4 is on the minus strand). VCF-style: chr2-130155146-C-G. GRCh37 (hg19) VCF-style: chr2-130912719-C-G.
Other names: c.1214G>C, p.Arg405Pro (NM_001171083.2); c.1433G>C, p.Arg478Pro (NM_017751.4); short protein forms R405P, R468P, R478P.
Identifiers: ClinVar variation 5019400 (VCV005019400.2).

ClinVar aggregate classification (germline): Uncertain significance (1 of 4 stars; one submission).

Conditions:
Neurodevelopmental disorder with microcephaly, arthrogryposis, and structural brain anomalies. Identifiers: Orphanet 664923, MedGen C5231431, MONDO:0032838, OMIM 618622.

gnomAD v4.1: 1 of 1,614,192 alleles (0.000062%); highest among the groups gnomAD compares: Non-Finnish European, 0.000085%; no homozygotes.

Submission:

Juno Genomics, Hangzhou Juno Genomics, Inc
Classification: Uncertain significance for Neurodevelopmental disorder with microcephaly, arthrogryposis, and structural brain anomalies. Review status: criteria provided, single submitter. Criteria: ACMG Guidelines, 2015. Collection method: clinical testing. Allele origin: germline.
Comment: Absent from controls (or at extremely low frequency if recessive) in Genome Aggregation Database.;Multiple lines of computational evidence support a deleterious effect on the gene or gene product.